The following is an entry in ClinVar:

NM_001394966.1(NEK10):c.1154dup (p.Ser386fs)

Gene: NEK10 (NIMA related kinase 10; minus strand). Cytogenetic location: 3p24.1.
Variant type: Duplication.
Coding change: c.1154dup on transcript NM_001394966.1 (MANE Select); coding-DNA position 1154, one base duplicated (T; older notation c.1154dupT).
Protein change: p.Ser386fs; shifts the reading frame from serine 386.
Molecular consequence: frameshift variant.
Genome position (GRCh38, 1-based): chr3:27,301,710, A duplicated on the plus strand (T on the coding strand, the reverse complement: NEK10 is on the minus strand); the first of 3 consecutive A bases (chr3:27,301,710-27,301,712); duplicating any one gives the same sequence. VCF-style (leftmost placement, unchanged base first): chr3-27301709-G-GA. GRCh37 (hg19) VCF-style: chr3-27343200-G-GA.
Other names: c.1154dup, p.Ser386fs (NM_001394963.1, NM_001394965.1, NM_001394968.1 and 4 more transcripts); c.1067dup, p.Ser357fs (NM_001394964.1, NM_001394967.1, NM_001394969.1); short protein forms S357fs, S386fs.
Identifiers: ClinVar variation 1705354 (VCV001705354.1), dbSNP rs2472395615, ClinGen allele CA2580069214.

ClinVar aggregate classification (germline): Pathogenic (1 of 4 stars; one submission).

Conditions:
Ciliary dyskinesia, primary, 44. Also called: CILIARY DYSKINESIA, PRIMARY, 44, WITHOUT SITUS INVERSUS. Identifiers: MedGen C5394063, MONDO:0032914, OMIM 618781.

Submission:

3billion
Classification: Pathogenic for Ciliary dyskinesia, primary, 44. Last evaluated: 2022-09-01. Review status: criteria provided, single submitter. Criteria: ACMG Guidelines, 2015. Collection method: clinical testing. Allele origin: germline. Affected: yes. Observed: 1 heterozygote.
Comment: The variant is not observed in the gnomAD v2.1.1 dataset. Frameshift variant is predicted to result in a loss or disruption of normal protein function through nonsense-mediated decay (NMD) or protein truncation. Therefore, this variant is classified as Pathogenic according to the recommendation of ACMG/AMP guideline.